The following is an entry in ClinVar:

ClinVar aggregate classification (germline): Uncertain significance (1 of 4 stars; one submission).

Conditions:
Walker-Warburg congenital muscular dystrophy. Also called: Muscular dystrophy-dystroglycanopathy, type A; Walker-Warburg syndrome. Identifiers: Orphanet 899, MedGen C0265221, MONDO:0000171.

Allele frequency attached by ClinVar (database versions not stated): gnomAD exomes below 0.00001.
gnomAD v4.1: 1 of 1,599,476 alleles (0.000063%); highest among the groups gnomAD compares: Non-Finnish European, 0.000086%; no homozygotes.

Submission:

Labcorp Genetics (formerly Invitae), Labcorp
Classification: Uncertain significance for Walker-Warburg congenital muscular dystrophy. Last evaluated: 2021-12-26. Review status: criteria provided, single submitter. Criteria: Invitae Variant Classification Sherloc (09022015). Collection method: clinical testing. Allele origin: germline.
Comment: This sequence change replaces tryptophan, which is neutral and slightly polar, with leucine, which is neutral and non-polar, at codon 55 of the FKTN protein (p.Trp55Leu). This variant is not present in population databases (gnomAD no frequency). This variant has not been reported in the literature in individuals affected with FKTN-related conditions. ClinVar contains an entry for this variant (Variation ID: 969407). Algorithms developed to predict the effect of missense changes on protein structure and function (SIFT, PolyPhen-2, Align-GVGD) all suggest that this variant is likely to be tolerated. In summary, the available evidence is currently insufficient to determine the role of this variant in disease. Therefore, it has been classified as a Variant of Uncertain Significance.

NM_001079802.2(FKTN):c.164G>T (p.Trp55Leu)

Gene: FKTN (fukutin; plus strand). Cytogenetic location: 9q31.2.
Variant type: single nucleotide variant.
Coding change: c.164G>T on transcript NM_001079802.2 (MANE Select); coding-DNA position 164, G replaced by T.
Protein change: p.Trp55Leu; replaces tryptophan 55 with leucine.
Molecular consequence: missense variant. On other transcripts: 5 prime UTR variant (5), non-coding transcript variant (2).
Genome position (GRCh38, 1-based): chr9:105,596,656, G>T. VCF-style: chr9-105596656-G-T. GRCh37 (hg19) VCF-style: chr9-108358937-G-T.
Other names: c.164G>T, p.Trp55Leu (NM_001198963.2, NM_001351496.2, NM_001351498.2 and 1 more transcripts); c.-4G>T (NM_001351497.2); c.-351G>T (NM_001351499.2, NM_001351500.2, NM_001351501.2 and 1 more transcripts); short protein forms W55L.
Identifiers: ClinVar variation 969407 (VCV000969407.9), dbSNP rs1826858068, ClinGen allele CA374331147.